The following is an entry in ClinVar:

NM_178817.4(MRAP):c.-20G>C

Gene: MRAP (melanocortin 2 receptor accessory protein; plus strand). Cytogenetic location: 21q22.11.
Variant type: single nucleotide variant.
Coding change: c.-20G>C on transcript NM_178817.4; 20 bases upstream of the start codon, G replaced by C.
Molecular consequence: 5 prime UTR variant.
Genome position (GRCh38, 1-based): chr21:32,293,123, G>C. VCF-style: chr21-32293123-G-C. GRCh37 (hg19) VCF-style: chr21-33665434-G-C.
Other names: c.-81G>C (NM_001285394.2); c.-20G>C (NM_206898.2).
Identifiers: ClinVar variation 339675 (VCV000339675.7), dbSNP rs76147109, ClinGen allele CA10644531.

ClinVar aggregate classification (germline): Benign (1 of 4 stars; one submission).

Conditions:
Glucocorticoid deficiency 2 (GCCD2). Also called: FAMILIAL GLUCOCORTICOID DEFICIENCY 2. Identifiers: Orphanet 361, MedGen C4049714, MONDO:0011826, OMIM 607398.

Allele frequency attached by ClinVar (database versions not stated): 1000 Genomes Project 30x 0.00984; gnomAD 0.00800 and 0.00867; TOPMed 0.00886; 1000 Genomes Project 0.00919.

Submission:

Illumina Laboratory Services, Illumina
Classification: Benign for Glucocorticoid deficiency 2. Last evaluated: 2018-01-13. Review status: criteria provided, single submitter. Criteria: ICSL Variant Classification Criteria 13 December 2019. Collection method: clinical testing. Allele origin: germline.
Comment: This variant was observed in the ICSL laboratory as part of a predisposition screen in an ostensibly healthy population. It had not been previously curated by ICSL or reported in the Human Gene Mutation Database (HGMD: prior to June 1st, 2018), and was therefore a candidate for classification through an automated scoring system. Utilizing variant allele frequency, disease prevalence and penetrance estimates, and inheritance mode, an automated score was calculated to assess if this variant is too frequent to cause the disease. Based on the score and internal cut-off values, a variant classified as benign is not then subjected to further curation. The score for this variant resulted in a classification of benign for this disease.